The following is an entry in ClinVar:

NM_139276.3(STAT3):c.550+230A>C

Gene: STAT3 (signal transducer and activator of transcription 3; minus strand). Cytogenetic location: 17q21.2.
Variant type: single nucleotide variant.
Coding change: c.550+230A>C on transcript NM_139276.3 (MANE Select); 230 bases into the intron after coding-DNA position 550, A replaced by C.
Molecular consequence: intron variant.
Genome position (GRCh38, 1-based): chr17:42,338,501, T>G on the plus strand (A>C on the coding strand, the complement: STAT3 is on the minus strand). VCF-style: chr17-42338501-T-G. GRCh37 (hg19) VCF-style: chr17-40490519-T-G.
Other names: c.454+230A>C (NM_001384989.1); c.550+230A>C (NM_001384992.1, NM_001384984.1, NM_001369519.1 and 15 more transcripts); c.472+230A>C (NM_001384985.1).
Identifiers: ClinVar variation 677557 (VCV000677557.2), dbSNP rs76487950, ClinGen allele CA290743175.

ClinVar aggregate classification (germline): Likely benign. Review status: criteria provided, multiple submitters, no conflicts (2 of 4 stars). 2 submissions from 2 submitters: Likely benign (2). Last evaluated 2018-06-16.

Allele frequency attached by ClinVar (database versions not stated): gnomAD 0.02064 and 0.02091.
gnomAD v4.1: 1,047 of 50,336 alleles (2.1%); highest among the groups gnomAD compares: African/African-American, 4.6%; 86 homozygotes.

Submissions (2):

GeneDx
Classification: Likely benign. Last evaluated: 2018-06-16. Review status: criteria provided, single submitter. Criteria: GeneDx Variant Classification (06012015). Collection method: clinical testing. Allele origin: germline. Affected: yes.
Comment: This variant is considered likely benign or benign based on one or more of the following criteria: it is a conservative change, it occurs at a poorly conserved position in the protein, it is predicted to be benign by multiple in silico algorithms, and/or has population frequency not consistent with disease.

Breakthrough Genomics
Classification: Likely benign. Review status: criteria provided, single submitter. Criteria: ACMG Guidelines, 2015. Collection method: not provided. Allele origin: germline. Inheritance: Autosomal dominant inheritance. Affected: yes.